The following is an entry in ClinVar:

NM_022437.3(ABCG8):c.1342A>G (p.Thr448Ala)

Gene: ABCG8 (ATP binding cassette subfamily G member 8; plus strand). Cytogenetic location: 2p21.
Variant type: single nucleotide variant.
Coding change: c.1342A>G on transcript NM_022437.3 (MANE Select); coding-DNA position 1342, A replaced by G.
Protein change: p.Thr448Ala; replaces threonine 448 with alanine.
Molecular consequence: missense variant.
Genome position (GRCh38, 1-based): chr2:43,873,917, A>G. VCF-style: chr2-43873917-A-G. GRCh37 (hg19) VCF-style: chr2-44101056-A-G.
Other names: c.1339A>G, p.Thr447Ala (NM_001357321.2); short protein forms T447A, T448A.
Identifiers: ClinVar variation 3420262 (VCV003420262.1).

ClinVar aggregate classification (germline): Uncertain significance (1 of 4 stars; one submission).

Conditions:
Cardiovascular phenotype. Identifiers: MedGen CN230736.

gnomAD v4.1: 4 of 1,613,962 alleles (0.00025%); highest among the groups gnomAD compares: Admixed American, 0.005%; no homozygotes.

Submission:

Ambry Genetics
Classification: Uncertain significance for Cardiovascular phenotype. Last evaluated: 2024-11-17. Review status: criteria provided, single submitter. Criteria: Ambry Variant Classification Scheme 2023. Collection method: clinical testing. Allele origin: germline.
Comment: The p.T448A variant (also known as c.1342A>G), located in coding exon 9 of the ABCG8 gene, results from an A to G substitution at nucleotide position 1342. The threonine at codon 448 is replaced by alanine, an amino acid with similar properties. This amino acid position is conserved. In addition, this alteration is predicted to be tolerated by in silico analysis. Based on the available evidence, the clinical significance of this variant remains unclear.